The following is an entry in ClinVar:

NM_001164586.2(IGFN1):c.6144T>C (p.Ser2048=)

Gene: IGFN1 (immunoglobulin like and fibronectin type III domain containing 1; plus strand). Cytogenetic location: 1q32.1.
Variant type: single nucleotide variant.
Coding change: c.6144T>C on transcript NM_001164586.2 (MANE Select); coding-DNA position 6144, T replaced by C.
Protein change: p.Ser2048=; no amino-acid change (serine 2048 retained).
Molecular consequence: synonymous variant. On other transcripts: intron variant (1).
Genome position (GRCh38, 1-based): chr1:201,211,037, T>C. VCF-style: chr1-201211037-T-C. GRCh37 (hg19) VCF-style: chr1-201180165-T-C.
Other names: c.1242-2469T>C (NM_001367841.1).
Identifiers: ClinVar variation 3898080 (VCV003898080.7).

ClinVar aggregate classification (germline): Likely benign (1 of 4 stars; one submission).

Submission:

CeGaT Center for Human Genetics Tuebingen
Classification: Likely benign. Last evaluated: 2025-04-01. Review status: criteria provided, single submitter. Criteria: CeGaT Center For Human Genetics Tuebingen Variant Classification Criteria Version 2. Collection method: clinical testing. Allele origin: germline. Affected: yes. Observed: 1 variant allele.
Comment: IGFN1: BP4, BP7